The following is an entry in ClinVar:

NM_153033.5(KCTD7):c.835C>T (p.Arg279Cys)

Gene: KCTD7 (potassium channel tetramerization domain containing 7; plus strand). Cytogenetic location: 7q11.21.
Variant type: single nucleotide variant.
Coding change: c.835C>T on transcript NM_153033.5 (MANE Select); coding-DNA position 835, C replaced by T.
Protein change: p.Arg279Cys; replaces arginine 279 with cysteine.
Molecular consequence: missense variant.
Genome position (GRCh38, 1-based): chr7:66,639,197, C>T. VCF-style: chr7-66639197-C-T. GRCh37 (hg19) VCF-style: chr7-66104184-C-T.
Other names: c.835C>T, p.Arg279Cys (NM_001167961.2); short protein forms R279C.
Identifiers: ClinVar variation 4688553 (VCV004688553.1).

ClinVar aggregate classification (germline): Likely pathogenic (1 of 4 stars; one submission).

Conditions:
Neuronal ceroid lipofuscinosis. Also called: Neuronal Ceroid Lipofuscinoses. Identifiers: Orphanet 216, Orphanet 79263, MedGen C0027877, MONDO:0016295. Disease mechanism: loss of function.

gnomAD v4.1: 3 of 1,613,594 alleles (0.00019%); highest among the groups gnomAD compares: East Asian, 0.0022%; no homozygotes.

Submission:

Women's Health and Genetics/Laboratory Corporation of America, LabCorp
Classification: Likely pathogenic for Neuronal ceroid lipofuscinosis. Last evaluated: 2025-12-05. Review status: criteria provided, single submitter. Criteria: LabCorp Variant Classification Summary - May 2015. Collection method: clinical testing. Allele origin: germline.
Comment: Variant summary: KCTD7 c.835C>T (p.Arg279Cys) results in a non-conservative amino acid change in the encoded protein sequence. Algorithms developed to predict the effect of missense changes on protein structure and function are either unavailable or do not agree on the potential impact of this missense change. The variant was absent in 250430 control chromosomes. c.835C>T has been observed as homozygous in individuals affected with Neuronal Ceroid-Lipofuscinosis (Batten Disease) (e.g., Ananthasubramanian_2025, Issa_2020). These data indicate that the variant is likely to be associated with disease. The following publications have been ascertained in the context of this evaluation (PMID: 39675099, 40996926, 32404165). No submitters have cited clinical-significance assessments for this variant to ClinVar. Based on the evidence outlined above, the variant was classified as likely pathogenic.

Literature cited by the submitters: PubMed 32404165; PubMed 39675099; PubMed 40996926.